The following is an entry in ClinVar:

ClinVar aggregate classification (germline): Uncertain significance. Review status: criteria provided, multiple submitters, no conflicts (2 of 4 stars). 3 submissions from 3 submitters: Uncertain significance (3). Last evaluated 2023-11-24.

Conditions:
Coffin-Siris syndrome 1 (CSS1). Also called: Mental retardation, autosomal dominant 12; ARID1B-Related Coffin-Siris Syndrome. Identifiers: Orphanet 1465, MedGen C3281201, MONDO:0007617, OMIM 135900. Disease mechanism: gain of function.
Inborn genetic diseases. Identifiers: MedGen C0950123, MeSH D030342.

Allele frequency attached by ClinVar (database versions not stated): gnomAD exomes below 0.00001.
gnomAD v4.1: 1 of 1,529,914 alleles (0.000065%); highest among the groups gnomAD compares: Non-Finnish European, 0.000087%; no homozygotes.

Submissions (3):

Labcorp Genetics (formerly Invitae), Labcorp
Classification: Uncertain significance. Last evaluated: 2023-11-24. Review status: criteria provided, single submitter. Criteria: Invitae Variant Classification Sherloc (09022015). Collection method: clinical testing. Allele origin: germline.
Comment: This sequence change replaces serine, which is neutral and polar, with glycine, which is neutral and non-polar, at codon 15 of the ARID1B protein (p.Ser15Gly). This variant is not present in population databases (gnomAD no frequency). This variant has not been reported in the literature in individuals affected with ARID1B-related conditions. ClinVar contains an entry for this variant (Variation ID: 2240750). Experimental studies and prediction algorithms are not available or were not evaluated, and the functional significance of this variant is currently unknown. In summary, the available evidence is currently insufficient to determine the role of this variant in disease. Therefore, it has been classified as a Variant of Uncertain Significance.

Revvity Omics, Revvity
Classification: Uncertain significance for Coffin-Siris syndrome 1. Last evaluated: 2021-09-03. Review status: criteria provided, single submitter. Criteria: ACMG Guidelines, 2015. Collection method: clinical testing. Allele origin: germline.

Ambry Genetics
Classification: Uncertain significance for Inborn genetic diseases. Last evaluated: 2021-08-02. Review status: criteria provided, single submitter. Criteria: Ambry Variant Classification Scheme 2023. Collection method: clinical testing. Allele origin: germline.

NM_001374828.1(ARID1B):c.292A>G (p.Ser98Gly)

Genes: ARID1B (AT-rich interaction domain 1B; plus strand), LOC129997523 (ATAC-STARR-seq lymphoblastoid silent region 17710; plus strand), LOC115308161 (uncharacterized LOC115308161; minus strand). Cytogenetic location: 6q25.3.
Variant type: single nucleotide variant.
Coding change: c.292A>G on transcript NM_001374828.1 (MANE Select); coding-DNA position 292, A replaced by G.
Protein change: p.Ser98Gly; replaces serine 98 with glycine.
Molecular consequence: missense variant.
Genome position (GRCh38, 1-based): chr6:156,777,972, A>G. VCF-style: chr6-156777972-A-G. GRCh37 (hg19) VCF-style: chr6-157099106-A-G.
Other names: c.43A>G, p.Ser15Gly (NM_001346813.1, NM_020732.3); c.292A>G, p.Ser98Gly (NM_001371656.1, NM_001374820.1, NM_017519.3); c.-132A>G (NM_175863.2); short protein forms S15G, S98G.
Identifiers: ClinVar variation 2240750 (VCV002240750.7), dbSNP rs1370276287, ClinGen allele CA366380995.